The following continues an entry in ClinVar:

NM_007194.4(CHEK2):c.1451C>T (p.Pro484Leu)

Gene: CHEK2. ClinVar aggregate classification (germline): Conflicting classifications of pathogenicity. Uncertain significance (15); Benign (1); Likely benign (2).

Submissions 8 to 19 of 19:

Quest Diagnostics Nichols Institute San Juan Capistrano
Classification: Uncertain significance. Last evaluated: 2025-05-07. Review status: criteria provided, single submitter. Criteria: Quest Diagnostics criteria. Collection method: clinical testing. Allele origin: unknown.
Comment: The CHEK2 c.1451C>T (p.Pro484Leu) variant has been reported in the published literature in individuals affected with breast cancer (PMID: 21244692 (2011), 25186627 (2015), 27878467 (2016), 31206626 (2019), 31780696 (2019), 31742824 (2020), 33471991 (2021), see also LOVD), and prostate cancer (PMID: 31214711 (2020), 32885271 (2021)). This variant has also been observed in reportedly unaffected individuals (PMID: 28944238 (2017), 33471991 (2021), see also LOVD). Functional studies demonstrated that this variant had an inconclusive effect on protein function (PMID: 30851065 (2019), 31780696 (2019), 37449874 (2023)). The frequency of this variant in the general population (Genome Aggregation Database) is uninformative in the assessment of its pathogenicity. Analysis of this variant using bioinformatics tools for the prediction of the effect of amino acid changes on protein structure and function yielded predictions that this variant is damaging. Based on the available information, we are unable to determine the clinical significance of this variant.

Ambry Genetics
Classification: Uncertain significance for Hereditary cancer-predisposing syndrome. Last evaluated: 2025-04-01. Review status: criteria provided, single submitter. Criteria: Ambry Variant Classification Scheme 2023. Collection method: clinical testing. Allele origin: germline.
Comment: The p.P484L variant (also known as c.1451C>T), located in coding exon 12 of the CHEK2 gene, results from a C to T substitution at nucleotide position 1451. The proline at codon 484 is replaced by leucine, an amino acid with similar properties. This alteration has been reported in 1/1303 breast cancer patients and was absent from 1109 healthy controls (Le Calvez-Kelm F et al. Breast Cancer Res. 2011 Jan;13:R6). This variant was observed in 1/3251 individuals who met eligibility criteria for hereditary breast and ovarian cancer syndrome (Lerner-Ellis J et al. J Cancer Res Clin Oncol, 2021 Mar;147:871-879). This alteration was detected in 1/1054 Hispanic BRCA1/2-negative probands with hereditary breast cancer and 0/1189 controls (Weitzel JN et al. Cancer, 2019 Aug;125:2829-2836). This variant was reported in 5/60,466 breast cancer cases and in 1/53,461 controls in another study (Dorling et al. N Engl J Med. 2021 02;384:428-439). In addition, this alteration has been detected in a cohort of 122 patients who underwent multi-gene panel testing for hereditary cancer after having previously tested negative for mutations in BRCA1 and BRCA2 (Yadav S et al. Fam. Cancer. 2017 07;16:319-328). This variant was reported as functional in a study assessing CHEK2-complementation through quantification of KAP1 phosphorylation and CHK2 autophosphorylation in human RPE1-CHEK2-knockout cells (Stolarova L et al. Clin Cancer Res, 2023 Aug;29:3037-3050). This alteration behaved as functional in an in vivo, yeast-based growth rate assay (Delimitsou A et al. Hum. Mutat. 2019 05;40(5):631-648). However, another in vitro kinase assay showed p.P484L to be damaging (Dutil J et al. Sci. Rep. 2019 11;9(1):17769). This amino acid position is highly conserved in available vertebrate species. In addition, the in silico prediction for this alteration is inconclusive. Based on the available evidence, the clinical significance of this variant remains unclear.

Blueprint Genetics
Classification: Uncertain significance. Last evaluated: 2024-05-14. Review status: criteria provided, single submitter. Criteria: ACMG Guidelines, 2015. Collection method: clinical testing. Allele origin: germline.

Baylor Genetics
Classification: Uncertain significance for Familial cancer of breast. Last evaluated: 2024-03-27. Review status: criteria provided, single submitter. Criteria: ACMG Guidelines, 2015. Collection method: clinical testing. Allele origin: unknown.

Fulgent Genetics
Classification: Uncertain significance for Familial prostate cancer; Bone osteosarcoma; CHEK2-related cancer predisposition. Last evaluated: 2024-01-14. Review status: criteria provided, single submitter. Criteria: ACMG Guidelines, 2015. Collection method: clinical testing. Allele origin: germline.

Myriad Genetics, Inc.
Classification: Likely benign for Familial cancer of breast. Last evaluated: 2023-03-09. Review status: criteria provided, single submitter. Criteria: Myriad Autosomal Dominant, Autosomal Recessive and X-Linked Classification Criteria (2023). Collection method: clinical testing. Allele origin: unknown.
Comment: This variant is considered likely benign. This variant is strongly associated with less severe personal and family histories of cancer, typical for individuals without pathogenic variants in this gene [PMID: 25085752].

Mayo Clinic Laboratories, Mayo Clinic
Classification: Uncertain significance. Last evaluated: 2022-03-07. Review status: criteria provided, single submitter. Criteria: ACMG Guidelines, 2015. Collection method: clinical testing. Allele origin: germline. Observed: 11 variant alleles.

Sema4
Classification: Uncertain significance for Hereditary cancer-predisposing syndrome. Last evaluated: 2021-11-23. Review status: criteria provided, single submitter. Criteria: Sema4 Curation Guidelines. Collection method: curation. Allele origin: germline.
Comment: The CHEK2 c.1451C>T (p.P484L) variant has been reported in at least 4 individuals with breast cancer (PMID: 21244692, 25186627, 26787654, 31780696). In vitro functional studies have shown conflicting results (PMID: 30851065, 31780696). This variant was observed in 9/35224 chromosomes in the Latino subpopulation in the large and broad cohorts of the Genome Aggregation Database (PMID: 32461654), and has been reported in ClinVar (Variation ID 140938). The evidence is insufficient to meet ACMG/AMP criteria for classifying the variant as benign or pathogenic. Thus, the clinical significance of this variant is currently uncertain.

CHEO Genetics Diagnostic Laboratory, Children's Hospital of Eastern Ontario
Classification: Uncertain significance for Breast and/or ovarian cancer. Last evaluated: 2021-01-08. Review status: criteria provided, single submitter. Criteria: ACMG Guidelines, 2015. Collection method: clinical testing. Allele origin: germline.

Genetic Services Laboratory, University of Chicago
Classification: Uncertain significance. Last evaluated: 2020-10-16. Review status: criteria provided, single submitter. Criteria: ACMG Guidelines, 2015. Collection method: clinical testing. Allele origin: germline. Affected: no.
Comment: DNA sequence analysis of the CHEK2 gene demonstrated a sequence change, c.1451C>T, in exon 13 that results in an amino acid change, p.Pro484Leu. This sequence change has been described in the gnomAD database with a frequency of 0.03% in the Latino sub-population (dbSNP rs564605612). The p.Pro484Leu change has been reported in individuals with breast cancer (PMIDs: 21244692, 25186627, 31780696). Functional studies have demonstrated conflicting results; Dutil et al., 2019 reported dramatically decreased levels of protein expression compared to wild type, while Delimitsou et al., 2019 reported that this variant did not have a substantial impact on protein function (PMIDs: 31780696, 30851065). The p.Pro484Leu change affects a highly conserved amino acid residue located in a domain of the CHEK2 protein that is known to be functional. In-silico pathogenicity prediction tools (SIFT, PolyPhen2, Align GVGD, REVEL) provide contradictory results for the p.Pro484Leu substitution. Due to these contrasting evidences, the clinical significance of the p.Pro484Leu change remains unknown at this time.

Department of Pathology and Laboratory Medicine, Sinai Health System
Classification: Uncertain significance for Hereditary breast ovarian cancer syndrome; Li-Fraumeni syndrome. Last evaluated: 2019-10-01. Review status: criteria provided, single submitter. Criteria: ACMG Guidelines, 2015. Collection method: clinical testing. Allele origin: germline. Affected: yes.

Counsyl
Classification: Uncertain significance for Familial cancer of breast. Last evaluated: 2016-02-26. Review status: no assertion criteria provided. Collection method: clinical testing. Allele origin: unknown. Not counted in ClinVar's aggregate classification.

Literature cited by the submitters: PubMed 21244692 (cited by 7 submitters); PubMed 25186627 (cited by 6 submitters); PubMed 31206626 (cited by 4 submitters); PubMed 31780696 (cited by 4 submitters); PubMed 34008015 (cited by 3 submitters); PubMed 30851065 (cited by 4 submitters); PubMed 26787654 (cited by 3 submitters); PubMed 27878467 (cited by 4 submitters); PubMed 31742824 (cited by Women's Health and Genetics/Laboratory Corporation of America, LabCorp and Quest Diagnostics Nichols Institute San Juan Capistrano); PubMed 33471991 (cited by 3 submitters); PubMed 39541563 (cited by Women's Health and Genetics/Laboratory Corporation of America, LabCorp); PubMed 32310333 (cited by Quest Diagnostics Nichols Institute San Juan Capistrano); PubMed 28944238 (cited by Quest Diagnostics Nichols Institute San Juan Capistrano); PubMed 37449874 (cited by Quest Diagnostics Nichols Institute San Juan Capistrano and Ambry Genetics); PubMed 32885271 (cited by Quest Diagnostics Nichols Institute San Juan Capistrano and Ambry Genetics); PubMed 31214711 (cited by Quest Diagnostics Nichols Institute San Juan Capistrano); PubMed 25085752 (cited by Myriad Genetics, Inc.).